The following is an entry in ClinVar:

NM_000237.3(LPL):c.827T>C (p.Ile276Thr)

Gene: LPL (lipoprotein lipase; plus strand). Cytogenetic location: 8p21.3.
Variant type: single nucleotide variant.
Coding change: c.827T>C on transcript NM_000237.3 (MANE Select); coding-DNA position 827, T replaced by C.
Protein change: p.Ile276Thr; replaces isoleucine 276 with threonine.
Molecular consequence: missense variant.
Genome position (GRCh38, 1-based): chr8:19,955,892, T>C. VCF-style: chr8-19955892-T-C. GRCh37 (hg19) VCF-style: chr8-19813403-T-C.
Other names: short protein forms I276T.
Identifiers: ClinVar variation 3340534 (VCV003340534.1).
Genomic context (GRCh38, chr8:19,955,892, plus strand): 5'-TTTACCCAGATGTGGACCAGCTAGTGAAGTGCTCCCACGAGCGCTCCATTCATCTCTTCA[T>C]CGACTCTCTGTTGAATGAAGAAAATCCAAGTAAGGCCTACAGGTGCAGTTCCAAGGAAGC-3'
Protein context (NP_000228.1, residues 266-286): CSHERSIHLF[Ile276Thr]DSLLNEENPS

ClinVar aggregate classification (germline): Pathogenic (1 of 4 stars; one submission).

Conditions:
Hyperlipidemia, familial combined, LPL related (FCHL3). Also called: Hyperapobetalipoproteinemia. Identifiers: MedGen C0020474, MONDO:0007759, OMIM 144250, HP:0008158.

Submission:

Shanghai Diabetes Institute, Shanghai Sixth People's Hospital Affiliated to Shanghai Jiao Tong University School of Medicine
Classification: Pathogenic for Hyperlipidemia, familial combined, LPL related. Last evaluated: 2024-09-23. Review status: criteria provided, single submitter. Criteria: ACMG Guidelines, 2015. Collection method: clinical testing. Allele origin: germline. Affected: yes. Observed: 6 variant alleles.
Comment: NM_000237.3:c.827T>C is a missense mutation in the LPL gene, which leads to the substitution of Ile at position 276 with Thr in its encoded peptide chain. The in vitro functional experiments have clearly demonstrated that this variant leads to impaired gene function（PS3）. This mutation is located in the N-terminal catalytic active center region (1-315 aa) of LPL（PM1）. The variant was detected in a family with familial hyperlipidemia, where 6 individuals carry the variant, and there is co-segregation of genotype and phenotype within the family（PS4, PP1）. The mutation is not present in public databases such as the 1000 Genomes Project, ExAC, gnomAD, and ESP6500 (PM2), and multiple bioinformatics software predict it to be a damaging variant (PP3). In summary, this variant meets criteria to be classified as pathogenic for Combined hyperlipidemia based on the ACMG/AMP criteria applied, as specified by PS3, PS4, PM1, PM2, PP1, PP3, PP4.